The following is an entry in ClinVar:

NM_000186.4(CFH):c.59A>G (p.Asp20Gly)

Gene: CFH (complement factor H; plus strand). Cytogenetic location: 1q31.3.
Variant type: single nucleotide variant.
Coding change: c.59A>G on transcript NM_000186.4 (MANE Select); coding-DNA position 59, A replaced by G.
Protein change: p.Asp20Gly; replaces aspartic acid 20 with glycine.
Molecular consequence: missense variant.
Genome position (GRCh38, 1-based): chr1:196,672,978, A>G. VCF-style: chr1-196672978-A-G. GRCh37 (hg19) VCF-style: chr1-196642108-A-G.
Other names: p.Asp20Gly; c.59A>G, p.Asp20Gly (NM_001014975.3); short protein forms D20G.
Identifiers: ClinVar variation 4541974 (VCV004541974.2).

ClinVar aggregate classification (germline): Uncertain significance. Review status: criteria provided, multiple submitters, no conflicts (2 of 4 stars). 2 submissions from 2 submitters: Uncertain significance (2). Last evaluated 2025-05-02.

gnomAD v4.1: 1 of 1,613,552 alleles (0.000062%); highest among the groups gnomAD compares: South Asian, 0.0011%; no homozygotes.

Submissions (2):

Mayo Clinic Laboratories, Mayo Clinic
Classification: Uncertain significance. Last evaluated: 2025-05-02. Review status: criteria provided, single submitter. Criteria: ACMG Guidelines, 2015. Collection method: clinical testing. Allele origin: germline. Observed: 3 variant alleles.
Comment: BP4, PM2_supporting

Labcorp Genetics (formerly Invitae), Labcorp
Classification: Uncertain significance. Last evaluated: 2025-02-08. Review status: criteria provided, single submitter. Criteria: Invitae Variant Classification Sherloc (09022015). Collection method: clinical testing. Allele origin: germline.
Comment: This sequence change replaces aspartic acid, which is acidic and polar, with glycine, which is neutral and non-polar, at codon 20 of the CFH protein (p.Asp20Gly). This variant is not present in population databases (gnomAD no frequency). This variant has not been reported in the literature in individuals affected with CFH-related conditions. An algorithm developed to predict the effect of missense changes on protein structure and function (PolyPhen-2) suggests that this variant is likely to be disruptive. In summary, the available evidence is currently insufficient to determine the role of this variant in disease. Therefore, it has been classified as a Variant of Uncertain Significance.